The following is an entry in ClinVar:

NM_000632.4(ITGAM):c.1816C>G (p.Gln606Glu)

Gene: ITGAM (integrin subunit alpha M; plus strand). Cytogenetic location: 16p11.2.
Variant type: single nucleotide variant.
Coding change: c.1816C>G on transcript NM_000632.4 (MANE Select); coding-DNA position 1816, C replaced by G.
Protein change: p.Gln606Glu; replaces glutamine 606 with glutamic acid.
Molecular consequence: missense variant.
Genome position (GRCh38, 1-based): chr16:31,321,349, C>G. VCF-style: chr16-31321349-C-G. GRCh37 (hg19) VCF-style: chr16-31332670-C-G.
Other names: c.1819C>G, p.Gln607Glu (NM_001145808.2); short protein forms Q606E, Q607E.
Identifiers: ClinVar variation 2060186 (VCV002060186.4), dbSNP rs2080447959, ClinGen allele CA395681184.

ClinVar aggregate classification (germline): Uncertain significance (1 of 4 stars; one submission).

Allele frequency attached by ClinVar (database versions not stated): TOPMed 0.00001.
gnomAD v4.1: 5 of 1,614,018 alleles (0.00031%); highest among the groups gnomAD compares: East Asian, 0.0045%; no homozygotes.

Submission:

Labcorp Genetics (formerly Invitae), Labcorp
Classification: Uncertain significance. Last evaluated: 2023-07-22. Review status: criteria provided, single submitter. Criteria: Invitae Variant Classification Sherloc (09022015). Collection method: clinical testing. Allele origin: germline.
Comment: This sequence change replaces glutamine, which is neutral and polar, with glutamic acid, which is acidic and polar, at codon 606 of the ITGAM protein (p.Gln606Glu). This variant is not present in population databases (gnomAD no frequency). In summary, the available evidence is currently insufficient to determine the role of this variant in disease. Therefore, it has been classified as a Variant of Uncertain Significance. Algorithms developed to predict the effect of missense changes on protein structure and function output the following: SIFT: "Not Available"; PolyPhen-2: "Benign"; Align-GVGD: "Not Available". The glutamic acid amino acid residue is found in multiple mammalian species, which suggests that this missense change does not adversely affect protein function. ClinVar contains an entry for this variant (Variation ID: 2060186). This variant has not been reported in the literature in individuals affected with ITGAM-related conditions.